The following is an entry in ClinVar:

ClinVar aggregate classification (germline): Benign/Likely benign. Review status: criteria provided, multiple submitters, no conflicts (2 of 4 stars). 11 submissions from 11 submitters: Benign (10); Likely benign (1). Last evaluated 2026-09-01.

Conditions:
Noonan syndrome 9 (NS9). Identifiers: Orphanet 648, MedGen C4225282, MONDO:0014691, OMIM 616559.
Noonan syndrome and Noonan-related syndrome. Identifiers: Orphanet 98733, MedGen C5681679, MONDO:0020297.
Cardiovascular phenotype. Identifiers: MedGen CN230736.

Allele frequency attached by ClinVar (database versions not stated): 1000 Genomes Project 0.00719; 1000 Genomes Project 30x 0.00796; TOPMed 0.01612; ESP Exome Variant Server 0.02068.
gnomAD v4.1: 38,772 of 1,606,596 alleles (2.4%); highest among the groups gnomAD compares: Non-Finnish European, 2.9%; 545 homozygotes.

Submissions (11):

CeGaT Center for Human Genetics Tuebingen
Classification: Benign. Last evaluated: 2026-09-01. Review status: criteria provided, single submitter. Criteria: CeGaT Center For Human Genetics Tuebingen Variant Classification Criteria Version 2. Collection method: clinical testing. Allele origin: germline. Affected: yes. Observed: 60 variant alleles.
Comment: SOS2: BS1, BS2

Labcorp Genetics (formerly Invitae), Labcorp
Classification: Benign for Noonan syndrome 9. Last evaluated: 2026-02-03. Review status: criteria provided, single submitter. Criteria: Invitae Variant Classification Sherloc (09022015). Collection method: clinical testing. Allele origin: germline.

ARUP Laboratories, Molecular Genetics and Genomics, ARUP Laboratories
Classification: Benign for Noonan syndrome 9. Last evaluated: 2025-05-30. Review status: criteria provided, single submitter. Criteria: ARUP Molecular Germline Variant Investigation Process 2024. Collection method: clinical testing. Allele origin: germline.

Blueprint Genetics
Classification: Likely benign. Last evaluated: 2024-11-27. Review status: criteria provided, single submitter. Criteria: ACMG Guidelines, 2015. Collection method: clinical testing. Allele origin: germline.

Mayo Clinic Laboratories, Mayo Clinic
Classification: Benign. Last evaluated: 2023-01-27. Review status: criteria provided, single submitter. Criteria: ACMG Guidelines, 2015. Collection method: clinical testing. Allele origin: germline. Observed: 48 variant alleles.
Comment: BS1, BS2, BP4

Genome Diagnostics Laboratory, The Hospital for Sick Children
Classification: Benign for Noonan syndrome and Noonan-related syndrome. Last evaluated: 2021-07-08. Review status: criteria provided, single submitter. Criteria: ACMG Guidelines, 2015. Collection method: clinical testing. Allele origin: germline.

Ambry Genetics
Classification: Benign for Cardiovascular phenotype. Last evaluated: 2019-03-12. Review status: criteria provided, single submitter. Criteria: Ambry Variant Classification Scheme 2023. Collection method: clinical testing. Allele origin: germline.

Women's Health and Genetics/Laboratory Corporation of America, LabCorp
Classification: Benign. Last evaluated: 2017-04-12. Review status: criteria provided, single submitter. Criteria: LabCorp Variant Classification Summary - May 2015. Collection method: clinical testing. Allele origin: germline.
Comment: Variant summary: The SOS2 c.622G>A (p.Ala208Thr) variant causes a missense change involving the alteration of a conserved nucleotide. 2/4 in silico tools predict a benign outcome for this variant (SNPs&GO not captured due to low reliability index). This variant was found in 2245/121196 control chromosomes at a frequency of 0.0185237, which is approximately 7409 times the estimated maximal expected allele frequency of a pathogenic SOS2 variant (0.0000025), suggesting this variant is likely a benign polymorphism. In addition, one clinical diagnostic laboratory classified this variant as benign. The variant of interest has not, to our knowledge, been reported in affected individuals via publications and/or reputable databases; nor evaluated for functional impact by in vivo/vitro studies. Taken together, this variant is classified as benign.

GeneDx
Classification: Benign. Last evaluated: 2016-10-25. Review status: criteria provided, single submitter. Criteria: GeneDx Variant Classification (06012015). Collection method: clinical testing. Allele origin: germline. Affected: yes.
Comment: This variant is considered likely benign or benign based on one or more of the following criteria: it is a conservative change, it occurs at a poorly conserved position in the protein, it is predicted to be benign by multiple in silico algorithms, and/or has population frequency not consistent with disease.

Breakthrough Genomics
Classification: Benign. Review status: criteria provided, single submitter. Criteria: ACMG Guidelines, 2015. Collection method: not provided. Allele origin: germline. Inheritance: Autosomal dominant inheritance. Affected: yes.

Genome-Nilou Lab
Classification: Benign for Noonan syndrome 9. Review status: criteria provided, single submitter. Criteria: ACMG Guidelines, 2015. Collection method: clinical testing. Allele origin: germline.

NM_006939.4(SOS2):c.622G>A (p.Ala208Thr)

Gene: SOS2 (SOS Ras/Rho guanine nucleotide exchange factor 2; minus strand). Cytogenetic location: 14q21.3.
Variant type: single nucleotide variant.
Coding change: c.622G>A on transcript NM_006939.4 (MANE Select); coding-DNA position 622, G replaced by A.
Protein change: p.Ala208Thr; replaces alanine 208 with threonine.
Molecular consequence: missense variant.
Genome position (GRCh38, 1-based): chr14:50,188,589, C>T on the plus strand (G>A on the coding strand, the complement: SOS2 is on the minus strand). VCF-style: chr14-50188589-C-T. GRCh37 (hg19) VCF-style: chr14-50655307-C-T.
Other names: p.Ala208Thr; short protein forms A208T.
Identifiers: ClinVar variation 384818 (VCV000384818.55), dbSNP rs61755579, ClinGen allele CA7177484.